The following is an entry in ClinVar:

NM_001430.5(EPAS1):c.1077T>C (p.Thr359=)

Gene: EPAS1 (endothelial PAS domain protein 1; plus strand). Cytogenetic location: 2p21.
Variant type: single nucleotide variant.
Coding change: c.1077T>C on transcript NM_001430.5 (MANE Select); coding-DNA position 1077, T replaced by C.
Protein change: p.Thr359=; no amino-acid change (threonine 359 retained).
Molecular consequence: synonymous variant.
Genome position (GRCh38, 1-based): chr2:46,376,581, T>C. VCF-style: chr2-46376581-T-C. GRCh37 (hg19) VCF-style: chr2-46603720-T-C.
Identifiers: ClinVar variation 896139 (VCV000896139.33), dbSNP rs149190271, ClinGen allele CA1644883.

ClinVar aggregate classification (germline): Benign/Likely benign. Review status: criteria provided, multiple submitters, no conflicts (2 of 4 stars). 5 submissions from 5 submitters: Benign (1); Likely benign (4). Last evaluated 2025-10-24.

Conditions:
Inborn genetic diseases. Identifiers: MedGen C0950123, MeSH D030342.
Erythrocytosis, familial, 4 (ECYT4). Identifiers: Orphanet 247511, MedGen C2673187, MONDO:0012729, OMIM 611783.

Allele frequency attached by ClinVar (database versions not stated): ESP Exome Variant Server 0.00046; 1000 Genomes Project 30x 0.00016; 1000 Genomes Project 0.00020; gnomAD exomes 0.00023 and 0.00025; ExAC 0.00025; gnomAD 0.00030 and 0.00032; TOPMed 0.00043.
gnomAD v4.1: 373 of 1,614,176 alleles (0.023%); highest among the groups gnomAD compares: Non-Finnish European, 0.029%; no homozygotes.

Submissions (5):

Labcorp Genetics (formerly Invitae), Labcorp
Classification: Likely benign. Last evaluated: 2025-10-24. Review status: criteria provided, single submitter. Criteria: Invitae Variant Classification Sherloc (09022015). Collection method: clinical testing. Allele origin: germline.

Blueprint Genetics
Classification: Likely benign. Last evaluated: 2024-10-29. Review status: criteria provided, single submitter. Criteria: ACMG Guidelines, 2015. Collection method: clinical testing. Allele origin: germline.

CeGaT Center for Human Genetics Tuebingen
Classification: Likely benign. Last evaluated: 2022-03-01. Review status: criteria provided, single submitter. Criteria: CeGaT Center For Human Genetics Tuebingen Variant Classification Criteria Version 2. Collection method: clinical testing. Allele origin: germline. Affected: yes. Observed: 1 variant allele.
Comment: EPAS1: BP4, BP7

Ambry Genetics
Classification: Likely benign for Inborn genetic diseases. Last evaluated: 2022-02-12. Review status: criteria provided, single submitter. Criteria: Ambry Variant Classification Scheme 2023. Collection method: clinical testing. Allele origin: germline.

Illumina Laboratory Services, Illumina
Classification: Benign for Erythrocytosis, familial, 4. Last evaluated: 2018-01-13. Review status: criteria provided, single submitter. Criteria: ICSL Variant Classification Criteria 13 December 2019. Collection method: clinical testing. Allele origin: germline.
Comment: This variant was observed in the ICSL laboratory as part of a predisposition screen in an ostensibly healthy population. It had not been previously curated by ICSL or reported in the Human Gene Mutation Database (HGMD: prior to June 1st, 2018), and was therefore a candidate for classification through an automated scoring system. Utilizing variant allele frequency, disease prevalence and penetrance estimates, and inheritance mode, an automated score was calculated to assess if this variant is too frequent to cause the disease. Based on the score and internal cut-off values, a variant classified as benign is not then subjected to further curation. The score for this variant resulted in a classification of benign for this disease.